The following is an entry in ClinVar:

NM_004370.6(COL12A1):c.4900G>A (p.Val1634Ile)

Gene: COL12A1 (collagen type XII alpha 1 chain; minus strand). Cytogenetic location: 6q13.
Variant type: single nucleotide variant.
Coding change: c.4900G>A on transcript NM_004370.6 (MANE Select); coding-DNA position 4900, G replaced by A.
Protein change: p.Val1634Ile; replaces valine 1634 with isoleucine.
Molecular consequence: missense variant.
Genome position (GRCh38, 1-based): chr6:75,142,089, C>T on the plus strand (G>A on the coding strand, the complement: COL12A1 is on the minus strand). VCF-style: chr6-75142089-C-T. GRCh37 (hg19) VCF-style: chr6-75851805-C-T.
Other names: p.Val1634Ile; c.1408G>A, p.Val470Ile (NM_080645.3); short protein forms V470I, V1634I.
Identifiers: ClinVar variation 1039241 (VCV001039241.15), dbSNP rs772992461, ClinGen allele CA3893313.

ClinVar aggregate classification (germline): Uncertain significance. Review status: criteria provided, multiple submitters, no conflicts (2 of 4 stars). 4 submissions from 4 submitters: Uncertain significance (4). Last evaluated 2026-09-02.

Conditions:
Ullrich congenital muscular dystrophy 2 (UCMD2). Identifiers: Orphanet 75840, MedGen C4225314, MONDO:0014654, OMIM 616470.
Bethlem myopathy 2 (BTHLM2). Identifiers: Orphanet 536516, Orphanet 610, MedGen C4225313, MONDO:0034022, OMIM 616471.

Allele frequency attached by ClinVar (database versions not stated): TOPMed 0.00002; gnomAD 0.00004; ExAC 0.00002.
gnomAD v4.1: 34 of 1,614,038 alleles (0.0021%); highest among the groups gnomAD compares: Non-Finnish European, 0.0025%; no homozygotes.

Submissions (4):

GeneDx
Classification: Uncertain significance. Last evaluated: 2026-09-02. Review status: criteria provided, single submitter. Criteria: GeneDx Variant Classification Process June 2021. Collection method: clinical testing. Allele origin: germline.
Comment: Has not been previously published as pathogenic or benign to our knowledge; Not observed at significant frequency in large population cohorts (gnomAD); In silico analysis suggests that this missense variant does not alter protein structure/function

Labcorp Genetics (formerly Invitae), Labcorp
Classification: Uncertain significance for Bethlem myopathy 2; Ullrich congenital muscular dystrophy 2. Last evaluated: 2025-11-27. Review status: criteria provided, single submitter. Criteria: Invitae Variant Classification Sherloc (09022015). Collection method: clinical testing. Allele origin: germline.
Comment: This sequence change replaces valine, which is neutral and non-polar, with isoleucine, which is neutral and non-polar, at codon 1634 of the COL12A1 protein (p.Val1634Ile). This variant is present in population databases (rs772992461, gnomAD 0.004%). This variant has not been reported in the literature in individuals affected with COL12A1-related conditions. ClinVar contains an entry for this variant (Variation ID: 1039241). Invitae Evidence Modeling of protein sequence and biophysical properties (such as structural, functional, and spatial information, amino acid conservation, physicochemical variation, residue mobility, and thermodynamic stability) indicates that this missense variant is not expected to disrupt COL12A1 protein function with a negative predictive value of 80%. In summary, the available evidence is currently insufficient to determine the role of this variant in disease. Therefore, it has been classified as a Variant of Uncertain Significance.

Mayo Clinic Laboratories, Mayo Clinic
Classification: Uncertain significance. Last evaluated: 2025-01-29. Review status: criteria provided, single submitter. Criteria: ACMG Guidelines, 2015. Collection method: clinical testing. Allele origin: germline. Observed: 1 variant allele.

Revvity Omics, Revvity
Classification: Uncertain significance. Last evaluated: 2021-09-28. Review status: criteria provided, single submitter. Criteria: ACMG Guidelines, 2015. Collection method: clinical testing. Allele origin: germline.